The following is an entry in ClinVar:

NM_006348.5(COG5):c.*1111C>T

Genes: COG5 (component of oligomeric golgi complex 5; minus strand), HBP1 (HMG-box transcription factor 1; plus strand). Cytogenetic location: 7q22.3.
Variant type: single nucleotide variant.
Coding change: c.*1111C>T on transcript NM_006348.5 (MANE Select); 1111 bases downstream of the stop codon, C replaced by T.
Molecular consequence: 3 prime UTR variant.
Genome position (GRCh38, 1-based): chr7:107,202,405, G>A on the plus strand (C>T on the coding strand, the complement: COG5 is on the minus strand). VCF-style: chr7-107202405-G-A. GRCh37 (hg19) VCF-style: chr7-106842850-G-A.
Other names: c.*1111C>T (NM_001379511.1, NM_001379512.1, NM_001379513.1 and 4 more transcripts); c.*974G>A (NM_001244262.2, NM_012257.4).
Identifiers: ClinVar variation 358438 (VCV000358438.5), dbSNP rs115287891, ClinGen allele CA10627993.
Genomic context (GRCh38, chr7:107,202,405, plus strand): 5'-TTTTGCTCTGAGCTACAATCATGGCTTTTCATGTTACTTACCAAGTGGTGTTTCTGGTTA[G>A]GAATCACAGCTGTAAAATTGATTTCAGTTCATCACACTTCTTCATGATGTTGCCCCTAAA-3'

ClinVar aggregate classification (germline): Likely benign (1 of 4 stars; one submission).

Conditions:
COG5-congenital disorder of glycosylation. Also called: CONGENITAL DISORDER OF GLYCOSYLATION, TYPE IIi; CDG IIi; COG5-CDG. Identifiers: Orphanet 263487, MedGen C3150876, MONDO:0013325, OMIM 613612.

Allele frequency attached by ClinVar (database versions not stated): gnomAD 0.00469 and 0.00499; 1000 Genomes Project 30x 0.00531; TOPMed 0.00533; 1000 Genomes Project 0.00559.

Submission:

Illumina Laboratory Services, Illumina
Classification: Likely benign for COG5-congenital disorder of glycosylation. Last evaluated: 2018-01-12. Review status: criteria provided, single submitter. Criteria: ICSL Variant Classification Criteria 13 December 2019. Collection method: clinical testing. Allele origin: germline.
Comment: This variant was observed in the ICSL laboratory as part of a predisposition screen in an ostensibly healthy population. It had not been previously curated by ICSL or reported in the Human Gene Mutation Database (HGMD: prior to June 1st, 2018), and was therefore a candidate for classification through an automated scoring system. Utilizing variant allele frequency, disease prevalence and penetrance estimates, and inheritance mode, an automated score was calculated to assess if this variant is too frequent to cause the disease. Based on the score and internal cut-off values, a variant classified as likely benign is not then subjected to further curation. The score for this variant resulted in a classification of likely benign for this disease.